The following is an entry in ClinVar:

ClinVar aggregate classification (germline): Conflicting classifications of pathogenicity. Review status: criteria provided, conflicting classifications (1 of 4 stars). 8 submissions from 8 submitters: Uncertain significance (4); Benign (1); Likely benign (3). Last evaluated 2026-02-01.

Conditions:
Hereditary cancer-predisposing syndrome. Also called: Tumor predisposition; Hereditary Cancer Syndrome; Hereditary neoplastic syndrome; Neoplastic Syndromes, Hereditary. Identifiers: Orphanet 140162, MedGen C0027672, MeSH D009386, MONDO:0015356.
Oligodontia-cancer predisposition syndrome. Also called: TOOTH AGENESIS-COLORECTAL CANCER SYNDROME. Identifiers: Orphanet 300576, MedGen C1837750, MONDO:0012075, OMIM 608615. Disease mechanism: loss of function.

Allele frequency attached by ClinVar (database versions not stated): ExAC 0.00005; ESP Exome Variant Server 0.00008; gnomAD 0.00008 and 0.00009; gnomAD exomes 0.00010 and 0.00030; TOPMed 0.00010; 1000 Genomes Project 0.00020; 1000 Genomes Project 30x 0.00031.

Submissions (8):

Labcorp Genetics (formerly Invitae), Labcorp
Classification: Uncertain significance for Oligodontia-cancer predisposition syndrome. Last evaluated: 2026-02-01. Review status: criteria provided, single submitter. Criteria: Invitae Variant Classification Sherloc (09022015). Collection method: clinical testing. Allele origin: germline.
Comment: This sequence change replaces histidine, which is basic and polar, with tyrosine, which is neutral and polar, at codon 747 of the AXIN2 protein (p.His747Tyr). This variant is present in population databases (rs143571197, gnomAD 0.02%). This variant has not been reported in the literature in individuals affected with AXIN2-related conditions. ClinVar contains an entry for this variant (Variation ID: 182012). An algorithm developed to predict the effect of missense changes on protein structure and function (PolyPhen-2) suggests that this variant is likely to be tolerated. In summary, the available evidence is currently insufficient to determine the role of this variant in disease. Therefore, it has been classified as a Variant of Uncertain Significance.

Mayo Clinic Laboratories, Mayo Clinic
Classification: Uncertain significance. Last evaluated: 2025-06-12. Review status: criteria provided, single submitter. Criteria: ACMG Guidelines, 2015. Collection method: clinical testing. Allele origin: germline. Observed: 1 variant allele.
Comment: BP4_moderate

GeneDx
Classification: Uncertain significance. Last evaluated: 2024-09-10. Review status: criteria provided, single submitter. Criteria: GeneDx Variant Classification Process June 2021. Collection method: clinical testing. Allele origin: germline. Affected: yes.
Comment: In silico analysis indicates that this missense variant does not alter protein structure/function; Observed in a patient with T-cell leukemia (PMID: 26580448); This variant is associated with the following publications: (PMID: 25260786, 26580448)

St. Jude Molecular Pathology, St. Jude Children's Research Hospital
Classification: Uncertain significance for Oligodontia-cancer predisposition syndrome. Last evaluated: 2024-01-13. Review status: criteria provided, single submitter. Criteria: St. Jude Assertion Criteria 2020. Collection method: clinical testing. Allele origin: germline.
Comment: The AXIN2 c.2239C>T (p.His747Tyr) change has a maximum subpopulation frequency of 0.02% in gnomAD v2.1.1. The in silico tool REVEL predicts a benign effect on protein function, but this prediction has not been confirmed by functional studies. This variant has not been reported in the literature in individuals with oligodontia-cancer predisposition syndrome. In summary, the evidence currently available is insufficient to determine the clinical significance of this variant. It has therefore been classified as of uncertain significance.

Ambry Genetics
Classification: Benign for Hereditary cancer-predisposing syndrome. Last evaluated: 2023-11-14. Review status: criteria provided, single submitter. Criteria: Ambry Variant Classification Scheme 2023. Collection method: clinical testing. Allele origin: germline.

Quest Diagnostics Nichols Institute San Juan Capistrano
Classification: Likely benign. Last evaluated: 2022-10-18. Review status: criteria provided, single submitter. Criteria: Quest Diagnostics criteria. Collection method: clinical testing. Allele origin: unknown.
Comment: To the best of our knowledge, the variant has not been reported in the published literature. The frequency of this variant in the general population, 0.000008 (2/251486 chromosomes), is uninformative in assessment of its pathogenicity. Analysis of this variant using bioinformatics tools for the prediction of the effect of amino acid changes on protein structure and function yielded predictions that this variant is damaging. Based on the available information, we are unable to determine the clinical significance of this variant.

Sema4
Classification: Likely benign for Hereditary cancer-predisposing syndrome. Last evaluated: 2021-11-15. Review status: criteria provided, single submitter. Criteria: Sema4 Curation Guidelines. Collection method: curation. Allele origin: germline.

Illumina Laboratory Services, Illumina
Classification: Likely benign for Oligodontia-cancer predisposition syndrome. Last evaluated: 2018-01-12. Review status: criteria provided, single submitter. Criteria: ICSL Variant Classification Criteria 13 December 2019. Collection method: clinical testing. Allele origin: germline.
Comment: This variant was observed in the ICSL laboratory as part of a predisposition screen in an ostensibly healthy population. It had not been previously curated by ICSL or reported in the Human Gene Mutation Database (HGMD: prior to June 1st, 2018), and was therefore a candidate for classification through an automated scoring system. Utilizing variant allele frequency, disease prevalence and penetrance estimates, and inheritance mode, an automated score was calculated to assess if this variant is too frequent to cause the disease. Based on the score and internal cut-off values, a variant classified as likely benign is not then subjected to further curation. The score for this variant resulted in a classification of likely benign for this disease.

Literature cited by the submitters: PubMed 26580448 (cited by Ambry Genetics).

NM_004655.4(AXIN2):c.2239C>T (p.His747Tyr)

Gene: AXIN2 (axin 2; minus strand). Cytogenetic location: 17q24.1.
Variant type: single nucleotide variant.
Coding change: c.2239C>T on transcript NM_004655.4 (MANE Select); coding-DNA position 2239, C replaced by T.
Protein change: p.His747Tyr; replaces histidine 747 with tyrosine.
Molecular consequence: missense variant.
Genome position (GRCh38, 1-based): chr17:65,534,078, G>A on the plus strand (C>T on the coding strand, the complement: AXIN2 is on the minus strand). VCF-style: chr17-65534078-G-A. GRCh37 (hg19) VCF-style: chr17-63530196-G-A.
Other names: p.H747Y:CAC>TAC; p.His747Tyr; c.2239C>T (LRG_296t1); c.2044C>T, p.His682Tyr (NM_001363813.1); short protein forms H747Y, H682Y.
Identifiers: ClinVar variation 182012 (VCV000182012.28), dbSNP rs143571197, ClinGen allele CA298404.